The following is an entry in ClinVar:

NM_000059.4(BRCA2):c.6547_6550del (p.Glu2183fs)

Gene: BRCA2 (BRCA2 DNA repair associated; plus strand). Cytogenetic location: 13q13.1.
Variant type: Deletion.
Coding change: c.6547_6550del on transcript NM_000059.4 (MANE Select); coding-DNA positions 6547 to 6550, 4 bases deleted (GAAC; older notation c.6547_6550delGAAC).
Protein change: p.Glu2183fs; shifts the reading frame from glutamic acid 2183.
Molecular consequence: frameshift variant.
Genome position (GRCh38, 1-based): chr13:32,340,902-32,340,905, GAAC deleted. VCF-style (leftmost placement, unchanged base first): chr13-32340901-AGAAC-A. GRCh37 (hg19) VCF-style: chr13-32915038-AGAAC-A.
Other names: short protein forms E2183fs.
Identifiers: ClinVar variation 928820 (VCV000928820.3), dbSNP rs2072559281, ClinGen allele CA1139663239.

ClinVar aggregate classification (germline): Likely pathogenic (1 of 4 stars; one submission).

Conditions:
Hereditary breast ovarian cancer syndrome. Also called: Hereditary breast and ovarian cancer syndrome; Hereditary breast and ovarian cancer syndrome (HBOC); Hereditary breast and/or ovarian cancer syndrome; Hereditary breast and ovarian cancer; Breast and ovarian cancer; BRCA1- and BRCA2-Associated Hereditary Breast and Ovarian Cancer. Identifiers: Orphanet 145, MedGen C0677776, MeSH D061325, MONDO:0003582. Disease mechanism: loss of function.

Submission:

Women's Health and Genetics/Laboratory Corporation of America, LabCorp
Classification: Likely pathogenic for Hereditary breast and ovarian cancer syndrome. Last evaluated: 2019-08-01. Review status: criteria provided, single submitter. Criteria: LabCorp Variant Classification Summary - May 2015. Collection method: clinical testing. Allele origin: germline.
Comment: Variant summary: BRCA2 c.6547_6550delGAAC (p.Glu2183ArgfsX7) results in a premature termination codon, predicted to cause a truncation of the encoded protein or absence of the protein due to nonsense mediated decay, which are commonly known mechanisms for disease. Truncations downstream of this position have been classified as pathogenic by our laboratory (c.6643delT, p.Tyr2215fsX14; c.6682dupG, p.Val2228fsX5; c.7024C>T, p.Gln2342X). The variant was absent in 244496 control chromosomes (gnomAD). The variant, c.6547_6550delGAAC, has been reported in the literature in one individual affected with ovarian and/or ovarian cancer (Ryu_2018). These data indicate that the variant is very likely to be associated with disease. To our knowledge, no experimental evidence demonstrating an impact on protein function has been reported. No clinical diagnostic laboratories have submitted clinical-significance assessments for this variant to ClinVar after 2014. Based on the evidence outlined above, the variant was classified as likely pathogenic

Literature cited by the submitters: PubMed 30350268.